The following is an entry in ClinVar:

ClinVar aggregate classification (germline): Uncertain significance (1 of 4 stars; one submission).

Conditions:
Encephalopathy, acute, infection-induced (herpes-specific), susceptibility to, 1. Also called: Herpes simplex encephalitis, susceptibility to, 1. Identifiers: Orphanet 1930, MedGen C2750180, MONDO:0024563, OMIM 610551.

Allele frequency attached by ClinVar (database versions not stated): 1000 Genomes Project 30x 0.00078.
gnomAD v4.1: 344 of 1,488,898 alleles (0.023%); highest among the groups gnomAD compares: South Asian, 0.27%; 3 homozygotes.

Submission:

Labcorp Genetics (formerly Invitae), Labcorp
Classification: Uncertain significance for Encephalopathy, acute, infection-induced (herpes-specific), susceptibility to, 1. Last evaluated: 2023-12-11. Review status: criteria provided, single submitter. Criteria: Invitae Variant Classification Sherloc (09022015). Collection method: clinical testing. Allele origin: germline.
Comment: This sequence change replaces glycine, which is neutral and non-polar, with arginine, which is basic and polar, at codon 590 of the UNC93B1 protein (p.Gly590Arg). The frequency data for this variant in the population databases is considered unreliable, as metrics indicate poor data quality at this position in the gnomAD database. This variant has not been reported in the literature in individuals affected with UNC93B1-related conditions. ClinVar contains an entry for this variant (Variation ID: 577794). Experimental studies and prediction algorithms are not available or were not evaluated, and the functional significance of this variant is currently unknown. In summary, the available evidence is currently insufficient to determine the role of this variant in disease. Therefore, it has been classified as a Variant of Uncertain Significance.

NM_030930.4(UNC93B1):c.1768G>A (p.Gly590Arg)

Gene: UNC93B1 (unc-93B1 regulator of TLR signaling; minus strand). Cytogenetic location: 11q13.2.
Variant type: single nucleotide variant.
Coding change: c.1768G>A on transcript NM_030930.4 (MANE Select); coding-DNA position 1768, G replaced by A.
Protein change: p.Gly590Arg; replaces glycine 590 with arginine.
Molecular consequence: missense variant.
Genome position (GRCh38, 1-based): chr11:67,991,572, C>T on the plus strand (G>A on the coding strand, the complement: UNC93B1 is on the minus strand). VCF-style: chr11-67991572-C-T. GRCh37 (hg19) VCF-style: chr11-67759043-C-T.
Other names: short protein forms G590R.
Identifiers: ClinVar variation 577794 (VCV000577794.7), dbSNP rs2375182, ClinGen allele CA6145335.